The following is an entry in ClinVar:

ClinVar aggregate classification (germline): Likely benign. Review status: criteria provided, multiple submitters, no conflicts (2 of 4 stars). 3 submissions from 3 submitters: Likely benign (2). 1 of the submissions does not count toward it. Last evaluated 2024-01-02.

Conditions:
ADAM9-related disorder. Also called: ADAM9-related condition.

Allele frequency attached by ClinVar (database versions not stated): gnomAD 0.00001; ExAC 0.00002; gnomAD exomes 0.00002 and 0.00003.
gnomAD v4.1: 46 of 1,613,688 alleles (0.0029%); highest among the groups gnomAD compares: South Asian, 0.021%; no homozygotes.

Submissions (3):

Labcorp Genetics (formerly Invitae), Labcorp
Classification: Likely benign. Last evaluated: 2024-01-02. Review status: criteria provided, single submitter. Criteria: Invitae Variant Classification Sherloc (09022015). Collection method: clinical testing. Allele origin: germline.

Blueprint Genetics
Classification: Likely benign. Last evaluated: 2021-08-22. Review status: criteria provided, single submitter. Criteria: ACMG Guidelines, 2015. Collection method: clinical testing. Allele origin: germline.

PreventionGenetics, part of Exact Sciences
Classification: Likely benign for ADAM9-related condition. Last evaluated: 2019-06-18. Review status: no assertion criteria provided. Collection method: clinical testing. Allele origin: germline. Not counted in ClinVar's aggregate classification.
Comment: This variant is classified as likely benign based on ACMG/AMP sequence variant interpretation guidelines (Richards et al. 2015 PMID: 25741868, with internal and published modifications).

NM_003816.3(ADAM9):c.672+7T>C

Gene: ADAM9 (ADAM metallopeptidase domain 9; plus strand). Cytogenetic location: 8p11.22.
Variant type: single nucleotide variant.
Coding change: c.672+7T>C on transcript NM_003816.3 (MANE Select); 7 bases into the intron after coding-DNA position 672, T replaced by C.
Molecular consequence: intron variant.
Genome position (GRCh38, 1-based): chr8:39,018,925, T>C. VCF-style: chr8-39018925-T-C. GRCh37 (hg19) VCF-style: chr8-38876444-T-C.
Other names: c.672+7T>C (NM_003816.2).
Identifiers: ClinVar variation 1094614 (VCV001094614.10), dbSNP rs768293074, ClinGen allele CA4721396.
Genomic context (GRCh38, chr8:39,018,925, plus strand): 5'-GTCTTGCCACAGACCCGGTATGTGGAGCTGTTCATTGTCGTAGACAAGGAAAGGGTAAGA[T>C]TGGTGACAATTTTTCTTCTTTTCCATGAAAAGGATATGAGAAGTGAGCATTTAATGAAGG-3'